The following is an entry in ClinVar:

ClinVar aggregate classification (germline): Likely pathogenic (1 of 4 stars; one submission).

Conditions:
GFM1-related disorder. Also called: GFM1-related condition.

Submission:

PreventionGenetics, part of Exact Sciences
Classification: Likely pathogenic for GFM1-related condition. Last evaluated: 2026-01-25. Review status: criteria provided, single submitter. Criteria: ACMG Guidelines, 2015. Collection method: clinical testing. Allele origin: germline.
Comment: The GFM1 c.1184dupG variant is predicted to result in a frameshift and premature protein termination (p.Glu396Argfs*6). To our knowledge, this variant has not been reported in the literature or in a large population database (gnomAD), indicating this variant is rare. Frameshift variants in GFM1 are expected to be pathogenic. This variant is interpreted as likely pathogenic.

NM_024996.7(GFM1):c.1127dup (p.Glu377fs)

Gene: GFM1 (G elongation factor mitochondrial 1; plus strand). Cytogenetic location: 3q25.32.
Variant type: Duplication.
Coding change: c.1127dup on transcript NM_024996.7 (MANE Select); coding-DNA position 1127, one base duplicated (G; older notation c.1127dupG).
Protein change: p.Glu377fs; shifts the reading frame from glutamic acid 377.
Molecular consequence: frameshift variant. On other transcripts: non-coding transcript variant (4), intron variant (1).
Genome position (GRCh38, 1-based): chr3:158,658,965, G duplicated; the last of 3 consecutive G bases (chr3:158,658,963-158,658,965); duplicating any one gives the same sequence. VCF-style (leftmost placement, unchanged base first): chr3-158658962-A-AG. GRCh37 (hg19) VCF-style: chr3-158376751-A-AG.
Other names: c.1184dup, p.Glu396fs (NM_001308164.2); c.1127dup, p.Glu377fs (NM_001308166.2); c.1010dup, p.Glu338fs (NM_001374356.1); c.902dup, p.Glu302fs (NM_001374357.1); c.668dup, p.Glu224fs (NM_001374358.1); c.560dup, p.Glu188fs (NM_001374359.1, NM_001374360.1); c.443dup, p.Glu149fs (NM_001374361.1); c.1141-1909dup (NM_001374355.1); short protein forms E224fs, E188fs, E302fs, E338fs, E377fs, E396fs, E149fs.
Identifiers: ClinVar variation 4992449 (VCV004992449.1).